The following is an entry in ClinVar:

NM_005591.4(MRE11):c.1445_1446delinsTTAA (p.Gln482fs)

Gene: MRE11 (MRE11 double strand break repair nuclease; minus strand). Cytogenetic location: 11q21.
Variant type: Indel.
Coding change: c.1445_1446delinsTTAA on transcript NM_005591.4 (MANE Select); coding-DNA positions 1445 to 1446, AG replaced by TTAA.
Protein change: p.Gln482fs; shifts the reading frame from glutamine 482.
Molecular consequence: frameshift variant.
Genome position (GRCh38, 1-based): chr11:94,459,462-94,459,463, CT replaced by TTAA on the plus strand (AG replaced by TTAA on the coding strand, the reverse complement: MRE11 is on the minus strand). VCF-style: chr11-94459462-CT-TTAA. GRCh37 (hg19) VCF-style: chr11-94192628-CT-TTAA.
Other names: c.1445_1446delinsTTAA, p.Gln482fs (NM_001330347.2, NM_005590.4); c.1445_1446delAGinsTTAA (NM_005591.3); short protein forms Q482fs.
Identifiers: ClinVar variation 186907 (VCV000186907.5), dbSNP rs786203314, ClinGen allele CA196205.

ClinVar aggregate classification (germline): Pathogenic (1 of 4 stars; one submission).

Conditions:
Hereditary cancer-predisposing syndrome. Also called: Neoplastic Syndromes, Hereditary; Tumor predisposition; Hereditary Cancer Syndrome; Hereditary neoplastic syndrome. Identifiers: Orphanet 140162, MedGen C0027672, MeSH D009386, MONDO:0015356.

Submission:

Ambry Genetics
Classification: Pathogenic for Hereditary cancer-predisposing syndrome. Last evaluated: 2014-10-22. Review status: criteria provided, single submitter. Criteria: Ambry Variant Classification Scheme 2023. Collection method: clinical testing. Allele origin: germline.
Comment: The c.1445_1446delAGinsTTAA pathogenic mutation, located in coding exon 12 of the MRE11A gene, results from the deletion of two nucleotides and insertion of four nucleotides at positions 1445-1446, causing a translational frameshift with a predicted alternate stop codon. Since frameshifts are typically deleterious in nature, this alteration is interpreted as a disease-causing mutation (ACMG Recommendations for Standards for Interpretation and Reporting of Sequence Variations. Revision 2007. Genet Med. 2008;10:294).